The following is an entry in ClinVar:

NM_024426.6(WT1):c.1504G>C (p.Asp502His)

Gene: WT1 (WT1 transcription factor; minus strand). Cytogenetic location: 11p13.
Variant type: single nucleotide variant.
Coding change: c.1504G>C on transcript NM_024426.6 (MANE Select); coding-DNA position 1504, G replaced by C.
Protein change: p.Asp502His; replaces aspartic acid 502 with histidine.
Molecular consequence: missense variant. On other transcripts: non-coding transcript variant (2).
Genome position (GRCh38, 1-based): chr11:32,389,123, C>G on the plus strand (G>C on the coding strand, the complement: WT1 is on the minus strand). VCF-style: chr11-32389123-C-G. GRCh37 (hg19) VCF-style: chr11-32410669-C-G.
Other names: c.1444G>C, p.Asp482His (NM_000378.6); c.844G>C, p.Asp282His (NM_001198551.2); c.802G>C, p.Asp268His (NM_001198552.2); c.316G>C, p.Asp106His (NM_001367854.1); c.1489G>C, p.Asp497His (NM_001407044.1); c.1453G>C, p.Asp485His (NM_001407045.1); c.1411G>C, p.Asp471His (NM_001407046.1); c.1372G>C, p.Asp458His (NM_001407047.1); and 6 more; short protein forms D106H, D248H, D268H, D282H, D444H, D454H, D455H, D458H.
Identifiers: ClinVar variation 2681780 (VCV002681780.2), dbSNP rs2132898667.

ClinVar aggregate classification (germline): Likely pathogenic (1 of 4 stars; one submission).

Conditions:
Nephrotic syndrome, type 4 (NPHS4). Also called: Familial mesangial sclerosis; Nephrotic syndrome, early onset with diffuse mesangial sclerosis. Identifiers: Orphanet 656, MedGen C3151568, MONDO:0009733, OMIM 256370.

Submission:

Precision Medicine Center, Zhengzhou University
Classification: Likely pathogenic for Nephrotic syndrome, type 4. Last evaluated: 2023-12-01. Review status: criteria provided, single submitter. Criteria: ACMG Guidelines, 2015. Collection method: clinical testing. Allele origin: de novo. Affected: yes.
Comment: PS2,PM2_p,PP3